The following is an entry in ClinVar:

ClinVar aggregate classification (germline): Likely pathogenic. Review status: criteria provided, multiple submitters, no conflicts (2 of 4 stars). 2 submissions from 2 submitters: Likely pathogenic (2). Last evaluated 2025-11-24.

Conditions:
Cardiovascular phenotype. Identifiers: MedGen CN230736.
Autosomal recessive limb-girdle muscular dystrophy type 2J (LGMDR10). Also called: Limb-girdle muscular dystrophy, type 2J; MUSCULAR DYSTROPHY, LIMB-GIRDLE, AUTOSOMAL RECESSIVE 10. Identifiers: Orphanet 140922, MedGen C1837342, MONDO:0012127, OMIM 608807.
Dilated cardiomyopathy 1G (CMD1G). Identifiers: Orphanet 154, MedGen C1858763, MONDO:0011400, OMIM 604145.

Submissions (2):

Ambry Genetics
Classification: Likely pathogenic for Cardiovascular phenotype. Last evaluated: 2025-11-24. Review status: criteria provided, single submitter. Criteria: Ambry Variant Classification Scheme 2023. Collection method: clinical testing. Allele origin: germline.
Comment: The c.37357delG variant, located in coding exon 136 of the TTN gene, results from a deletion of one nucleotide at nucleotide position 37357, causing a translational frameshift with a predicted alternate stop codon (p.A12453Qfs*7). This exon is located in the A-band region of the N2-B isoform of the titin protein and is constitutively expressed in TTN transcripts (percent spliced in or PSI 100%). This variant is expected to result in loss of function by premature protein truncation or nonsense-mediated mRNA decay. While truncating variants in TTN are present in 1-3% of the general population, truncating variants in the A-band are the most common cause of dilated cardiomyopathy (Herman DS et al. N. Engl. J. Med., 2012 Feb;366:619-28; Roberts AM et al. Sci Transl Med, 2015 Jan;7:270ra6). TTN truncating variants encoded in constitutive exons (PSI >90%) have been found to be significantly associated with DCM regardless of their position in titin (Schafer S et al. Nat. Genet., 2017 01;49:46-53; Akhtar MM et al. Circ Heart Fail, 2020 Oct;13:e006832; Massier M et al. Clin Genet, 2025 Jan). This variant is considered to be rare based on population cohorts in the Genome Aggregation Database (gnomAD). Based on the majority of available evidence to date, this variant is likely to be pathogenic.

Labcorp Genetics (formerly Invitae), Labcorp
Classification: Likely pathogenic for Dilated cardiomyopathy 1G; Autosomal recessive limb-girdle muscular dystrophy type 2J. Last evaluated: 2025-10-18. Review status: criteria provided, single submitter. Criteria: Invitae Variant Classification Sherloc (09022015). Collection method: clinical testing. Allele origin: germline.
Comment: This sequence change creates a premature translational stop signal (p.Ala21518Glnfs*7) in the TTN gene. While this is not anticipated to result in nonsense mediated decay, it is expected to create a truncated TTN protein. This variant is not present in population databases (gnomAD no frequency). This premature translational stop signal has been observed in individual(s) with TTN-related conditions (PMID: 32371228). This variant is located in the A band of TTN (PMID: 25589632). Truncating variants in this region are significantly overrepresented in patients affected with dilated cardiomyopathy (PMID: 25589632). Truncating variants in this region have also been reported in individuals affected with autosomal recessive centronuclear myopathy (PMID: 23975875). In summary, the currently available evidence indicates that the variant is pathogenic, but additional data are needed to prove that conclusively. Therefore, this variant has been classified as Likely Pathogenic.

Literature cited by the submitters: PubMed 32371228 (cited by Labcorp Genetics (formerly Invitae), Labcorp); PubMed 25589632 (cited by Labcorp Genetics (formerly Invitae), Labcorp); PubMed 23975875 (cited by Labcorp Genetics (formerly Invitae), Labcorp).

NM_001267550.2(TTN):c.64552del (p.Ala21518fs)

Genes: TTN (titin; minus strand), TTN-AS1 (TTN antisense RNA 1; plus strand). Cytogenetic location: 2q31.2.
Variant type: Deletion.
Coding change: c.64552del on transcript NM_001267550.2 (MANE Select); coding-DNA position 64552, one base deleted (G; older notation c.64552delG).
Protein change: p.Ala21518fs; shifts the reading frame from alanine 21518.
Molecular consequence: frameshift variant.
Genome position (GRCh38, 1-based): chr2:178,585,192, C deleted on the plus strand (G on the coding strand, the reverse complement: TTN is on the minus strand). VCF-style (leftmost placement, unchanged base first): chr2-178585191-GC-G. GRCh37 (hg19) VCF-style: chr2-179449918-GC-G.
Other names: c.59629del, p.Ala19877fs (NM_001256850.1); c.37357del, p.Ala12453fs (NM_003319.4); c.56848del, p.Ala18950fs (NM_133378.4); c.37732del, p.Ala12578fs (NM_133432.3); c.37933del, p.Ala12645fs (NM_133437.4); c.37357delG (NM_003319.4); short protein forms A12453fs, A19877fs, A21518fs, A12578fs, A12645fs, A18950fs.
Identifiers: ClinVar variation 4615361 (VCV004615361.2).